The following is an entry in ClinVar:

ClinVar aggregate classification (germline): Uncertain significance (1 of 4 stars; one submission).

Submission:

GeneDx
Classification: Uncertain significance. Last evaluated: 2022-10-04. Review status: criteria provided, single submitter. Criteria: GeneDx Variant Classification Process June 2021. Collection method: clinical testing. Allele origin: germline. Affected: yes.
Comment: Not observed at significant frequency in large population cohorts (gnomAD); In silico analysis supports that this missense variant has a deleterious effect on protein structure/function; In silico analysis suggests this variant may impact gene splicing. In the absence of RNA/functional studies, the actual effect of this sequence change is unknown.; Has not been previously published as pathogenic or benign to our knowledge

NM_001379200.1(TBX1):c.722A>T (p.Asn241Ile)

Gene: TBX1 (T-box transcription factor 1; plus strand). Cytogenetic location: 22q11.21.
Variant type: single nucleotide variant.
Coding change: c.722A>T on transcript NM_001379200.1 (MANE Select); coding-DNA position 722, A replaced by T.
Protein change: p.Asn241Ile; replaces asparagine 241 with isoleucine.
Molecular consequence: missense variant.
Genome position (GRCh38, 1-based): chr22:19,764,968, A>T. VCF-style: chr22-19764968-A-T. GRCh37 (hg19) VCF-style: chr22-19752491-A-T.
Other names: c.695A>T, p.Asn232Ile (NM_005992.1, NM_080646.2, NM_080647.1); short protein forms N232I, N241I.
Identifiers: ClinVar variation 2497972 (VCV002497972.1), dbSNP rs2517851895, ClinGen allele CA410683232.
Genomic context (GRCh38, chr22:19,764,968, plus strand): 5'-TCCTCAGCCCAGCCCCACCGCTGGAGCTGATTCCCCACCTTGTCTTCCAGATTATTCTGA[A>T]TTCCATGCACAGATACCAGCCCCGCTTCCACGTGGTCTATGTGGACCCACGCAAAGATAG-3'
Protein context (NP_001366129.1, residues 231-251): LLDDNGHIIL[Asn241Ile]SMHRYQPRFH